The following is an entry in ClinVar:

ClinVar aggregate classification (germline): Conflicting classifications of pathogenicity. Review status: criteria provided, conflicting classifications (1 of 4 stars). 2 submissions from 2 submitters: Uncertain significance (1); Benign (1). Last evaluated 2023-12-14.

Allele frequency attached by ClinVar (database versions not stated): TOPMed below 0.00001; gnomAD 0.00002; gnomAD exomes 0.00005 and 0.00012; ExAC 0.00019; 1000 Genomes Project 30x 0.00031; 1000 Genomes Project 0.00040.
gnomAD v4.1: 82 of 1,613,564 alleles (0.0051%); highest among the groups gnomAD compares: South Asian, 0.086%; 2 homozygotes.

Submissions (2):

Blueprint Genetics
Classification: Benign. Last evaluated: 2023-12-14. Review status: criteria provided, single submitter. Criteria: ACMG Guidelines, 2015. Collection method: clinical testing. Allele origin: germline.

Labcorp Genetics (formerly Invitae), Labcorp
Classification: Uncertain significance. Last evaluated: 2022-05-04. Review status: criteria provided, single submitter. Criteria: Invitae Variant Classification Sherloc (09022015). Collection method: clinical testing. Allele origin: germline.
Comment: This sequence change replaces proline, which is neutral and non-polar, with serine, which is neutral and polar, at codon 1055 of the KIAA1549 protein (p.Pro1055Ser). This variant is present in population databases (rs534004542, gnomAD 0.1%). This variant has not been reported in the literature in individuals affected with KIAA1549-related conditions. Algorithms developed to predict the effect of missense changes on protein structure and function are either unavailable or do not agree on the potential impact of this missense change (SIFT: "Tolerated"; PolyPhen-2: "Possibly Damaging"; Align-GVGD: "Class C0"). In summary, the available evidence is currently insufficient to determine the role of this variant in disease. Therefore, it has been classified as a Variant of Uncertain Significance.

NM_001164665.2(KIAA1549):c.3163C>T (p.Pro1055Ser)

Gene: KIAA1549 (KIAA1549; minus strand). Cytogenetic location: 7q34.
Variant type: single nucleotide variant.
Coding change: c.3163C>T on transcript NM_001164665.2 (MANE Select); coding-DNA position 3163, C replaced by T.
Protein change: p.Pro1055Ser; replaces proline 1055 with serine.
Molecular consequence: missense variant.
Genome position (GRCh38, 1-based): chr7:138,909,104, G>A on the plus strand (C>T on the coding strand, the complement: KIAA1549 is on the minus strand). VCF-style: chr7-138909104-G-A. GRCh37 (hg19) VCF-style: chr7-138593850-G-A.
Other names: c.3163C>T, p.Pro1055Ser (NM_020910.3); short protein forms P1055S.
Identifiers: ClinVar variation 1428505 (VCV001428505.6), dbSNP rs534004542, ClinGen allele CA4506302.